The following is an entry in ClinVar:

ClinVar aggregate classification (germline): Uncertain significance. Review status: criteria provided, multiple submitters, no conflicts (2 of 4 stars). 2 submissions from 2 submitters: Uncertain significance (2). Last evaluated 2023-10-01.

Conditions:
Short-rib thoracic dysplasia 10 with or without polydactyly (SRTD10). Identifiers: Orphanet 474, MedGen C3810175, MONDO:0014284, OMIM 615630.
Retinitis pigmentosa 71 (RP71). Identifiers: Orphanet 791, MedGen C4225342, MONDO:0014618, OMIM 616394.
Retinal dystrophy. Also called: Inherited retinal dystrophy. Identifiers: Orphanet 71862, MedGen C0854723, MeSH D058499, MONDO:0019118, HP:0000556.

Allele frequency attached by ClinVar (database versions not stated): gnomAD exomes 0.00001.
gnomAD v4.1: 9 of 1,602,476 alleles (0.00056%); highest among the groups gnomAD compares: East Asian, 0.018%; no homozygotes.

Submissions (2):

Dept Of Ophthalmology, Nagoya University
Classification: Uncertain significance for Retinal dystrophy. Last evaluated: 2023-10-01. Review status: criteria provided, single submitter. Criteria: Submitter's publication. Collection method: research. Allele origin: germline. Affected: yes.

Labcorp Genetics (formerly Invitae), Labcorp
Classification: Uncertain significance for Retinitis pigmentosa 71; Short-rib thoracic dysplasia 10 with or without polydactyly. Last evaluated: 2019-09-28. Review status: criteria provided, single submitter. Criteria: Invitae Variant Classification Sherloc (09022015). Collection method: clinical testing. Allele origin: germline.
Comment: This variant is not present in population databases (ExAC no frequency). This sequence change replaces methionine with valine at codon 68 of the IFT172 protein (p.Met68Val). The methionine residue is weakly conserved and there is a small physicochemical difference between methionine and valine. In summary, the available evidence is currently insufficient to determine the role of this variant in disease. Therefore, it has been classified as a Variant of Uncertain Significance. Algorithms developed to predict the effect of missense changes on protein structure and function output the following: SIFT: "Tolerated"; PolyPhen-2: "Benign"; Align-GVGD: "Class C0". The valine amino acid residue is found in multiple mammalian species, suggesting that this missense change does not adversely affect protein function. These predictions have not been confirmed by published functional studies and their clinical significance is uncertain. This variant has not been reported in the literature in individuals with IFT172-related conditions.

NM_015662.3(IFT172):c.202A>G (p.Met68Val)

Gene: IFT172 (intraflagellar transport 172; minus strand). Cytogenetic location: 2p23.3.
Variant type: single nucleotide variant.
Coding change: c.202A>G on transcript NM_015662.3 (MANE Select); coding-DNA position 202, A replaced by G.
Protein change: p.Met68Val; replaces methionine 68 with valine.
Molecular consequence: missense variant.
Genome position (GRCh38, 1-based): chr2:27,485,112, T>C on the plus strand (A>G on the coding strand, the complement: IFT172 is on the minus strand). VCF-style: chr2-27485112-T-C. GRCh37 (hg19) VCF-style: chr2-27707979-T-C.
Other names: short protein forms M68V.
Identifiers: ClinVar variation 942864 (VCV000942864.9), dbSNP rs1007588478, ClinGen allele CA44519585.